The following is an entry in ClinVar:

NM_006073.4(TRDN):c.209T>C (p.Leu70Ser)

Gene: TRDN (triadin; minus strand). Cytogenetic location: 6q22.31.
Variant type: single nucleotide variant.
Coding change: c.209T>C on transcript NM_006073.4 (MANE Select); coding-DNA position 209, T replaced by C.
Protein change: p.Leu70Ser; replaces leucine 70 with serine.
Molecular consequence: missense variant.
Genome position (GRCh38, 1-based): chr6:123,570,946, A>G on the plus strand (T>C on the coding strand, the complement: TRDN is on the minus strand). VCF-style: chr6-123570946-A-G. GRCh37 (hg19) VCF-style: chr6-123892091-A-G.
Other names: c.209T>C, p.Leu70Ser (NM_001251987.2, NM_001256020.2, NM_001256021.2 and 2 more transcripts); short protein forms L70S.
Identifiers: ClinVar variation 1785869 (VCV001785869.2), dbSNP rs2534609037, ClinGen allele CA365569065.

ClinVar aggregate classification (germline): Uncertain significance (1 of 4 stars; one submission).

Conditions:
Cardiovascular phenotype. Identifiers: MedGen CN230736.

Submission:

Ambry Genetics
Classification: Uncertain significance for Cardiovascular phenotype. Last evaluated: 2022-03-19. Review status: criteria provided, single submitter. Criteria: Ambry Variant Classification Scheme 2023. Collection method: clinical testing. Allele origin: germline.
Comment: The p.L70S variant (also known as c.209T>C), located in coding exon 2 of the TRDN gene, results from a T to C substitution at nucleotide position 209. The leucine at codon 70 is replaced by serine, an amino acid with dissimilar properties. This amino acid position is conserved. In addition, this alteration is predicted to be deleterious by in silico analysis. Since supporting evidence is limited at this time, the clinical significance of this alteration remains unclear.